The following is an entry in ClinVar:

NM_024675.4(PALB2):c.16G>A (p.Gly6Arg)

Gene: PALB2 (partner and localizer of BRCA2; minus strand). Cytogenetic location: 16p12.2.
Variant type: single nucleotide variant.
Coding change: c.16G>A on transcript NM_024675.4 (MANE Select); coding-DNA position 16, G replaced by A.
Protein change: p.Gly6Arg; replaces glycine 6 with arginine.
Molecular consequence: missense variant.
Genome position (GRCh38, 1-based): chr16:23,641,142, C>T on the plus strand (G>A on the coding strand, the complement: PALB2 is on the minus strand). VCF-style: chr16-23641142-C-T. GRCh37 (hg19) VCF-style: chr16-23652463-C-T.
Other names: c.16G>A (NM_024675.3); short protein forms G6R.
Identifiers: ClinVar variation 1022586 (VCV001022586.11), dbSNP rs1967234587, ClinGen allele CA395141196.

ClinVar aggregate classification (germline): Conflicting classifications of pathogenicity. Review status: criteria provided, conflicting classifications (1 of 4 stars). 3 submissions from 3 submitters: Uncertain significance (2); Likely benign (1). Last evaluated 2025-06-16.

Conditions:
PALB2-related disorder. Also called: PALB2-related condition; PALB2-related disorders.
Hereditary cancer-predisposing syndrome. Also called: Tumor predisposition; Hereditary neoplastic syndrome; Neoplastic Syndromes, Hereditary; Hereditary Cancer Syndrome. Identifiers: Orphanet 140162, MedGen C0027672, MeSH D009386, MONDO:0015356.
Familial cancer of breast. Also called: BREAST CANCER, FAMILIAL; Hereditary breast cancer; hereditary breast carcinoma. Identifiers: Orphanet 227535, MedGen C0346153, MONDO:0016419, OMIM 114480. Disease mechanism: loss of function.

Submissions (3):

Ambry Genetics
Classification: Likely benign for Hereditary cancer-predisposing syndrome. Last evaluated: 2025-06-16. Review status: criteria provided, single submitter. Criteria: Ambry Variant Classification Scheme 2023. Collection method: clinical testing. Allele origin: germline.

PreventionGenetics, part of Exact Sciences
Classification: Uncertain significance for PALB2-related condition. Last evaluated: 2025-01-29. Review status: criteria provided, single submitter. Criteria: ACMG Guidelines, 2015. Collection method: clinical testing. Allele origin: germline.
Comment: The PALB2 c.16G>A variant is predicted to result in the amino acid substitution p.Gly6Arg. To our knowledge, this variant has not been reported in the literature or in a large population database (gnomAD), indicating this variant is rare and is reported as a variant of uncertain significance in ClinVar. At this time, the clinical significance of this variant is uncertain due to the absence of conclusive functional and genetic evidence.

Labcorp Genetics (formerly Invitae), Labcorp
Classification: Uncertain significance for Familial cancer of breast. Last evaluated: 2020-07-08. Review status: criteria provided, single submitter. Criteria: Invitae Variant Classification Sherloc (09022015). Collection method: clinical testing. Allele origin: germline.
Comment: In summary, the available evidence is currently insufficient to determine the role of this variant in disease. Therefore, it has been classified as a Variant of Uncertain Significance. Algorithms developed to predict the effect of missense changes on protein structure and function are either unavailable or do not agree on the potential impact of this missense change (SIFT: "Tolerated"; PolyPhen-2: "Probably Damaging"; Align-GVGD: "Class C0"). This variant has not been reported in the literature in individuals with PALB2-related conditions. This variant is not present in population databases (ExAC no frequency). This sequence change replaces glycine with arginine at codon 6 of the PALB2 protein (p.Gly6Arg). The glycine residue is moderately conserved and there is a moderate physicochemical difference between glycine and arginine.